The following is an entry in ClinVar:

NM_000257.4(MYH7):c.5398G>C (p.Ala1800Pro)

Gene: MYH7 (myosin heavy chain 7; minus strand). Cytogenetic location: 14q11.2.
Variant type: single nucleotide variant.
Coding change: c.5398G>C on transcript NM_000257.4 (MANE Select); coding-DNA position 5398, G replaced by C.
Protein change: p.Ala1800Pro; replaces alanine 1800 with proline.
Molecular consequence: missense variant.
Genome position (GRCh38, 1-based): chr14:23,415,156, C>G on the plus strand (G>C on the coding strand, the complement: MYH7 is on the minus strand). VCF-style: chr14-23415156-C-G. GRCh37 (hg19) VCF-style: chr14-23884365-C-G.
Other names: p.A1800P:GCC>CCC; c.5398G>C (LRG_384t1); short protein forms A1800P.
Identifiers: ClinVar variation 181396 (VCV000181396.4), dbSNP rs730880917, ClinGen allele CA016063.
Genomic context (GRCh38, chr14:23,415,156, plus strand): 5'-GCACCCGCGCTTCCAGCTTCTGCAGCTGCTTCTTGCCGCCCTTGAGGGCGATCTGCTCGG[C>G]TTCGTCCAGCCGGTGCTGCAGGTCCTTAATGGTCTGTTCCATGTTCTTCTTCATGCGCTC-3'
Protein context (NP_000248.2, residues 1790-1810): IKDLQHRLDE[Ala1800Pro]EQIALKGGKK

ClinVar aggregate classification (germline): Conflicting classifications of pathogenicity. Review status: criteria provided, conflicting classifications (1 of 4 stars). 2 submissions from 2 submitters: Likely pathogenic (1); Uncertain significance (1). Last evaluated 2024-07-22.

Conditions:
Hypertrophic cardiomyopathy. Also called: HYPERTROPHIC MYOCARDIOPATHY. Identifiers: Orphanet 217569, MedGen C0007194, MeSH D002312, MONDO:0005045, HP:0001639.

Submissions (2):

Labcorp Genetics (formerly Invitae), Labcorp
Classification: Uncertain significance for Hypertrophic cardiomyopathy. Last evaluated: 2024-07-22. Review status: criteria provided, single submitter. Criteria: Invitae Variant Classification Sherloc (09022015). Collection method: clinical testing. Allele origin: germline.
Comment: This sequence change replaces alanine, which is neutral and non-polar, with proline, which is neutral and non-polar, at codon 1800 of the MYH7 protein (p.Ala1800Pro). This variant is not present in population databases (gnomAD no frequency). This variant has not been reported in the literature in individuals affected with MYH7-related conditions. ClinVar contains an entry for this variant (Variation ID: 181396). Advanced modeling of protein sequence and biophysical properties (such as structural, functional, and spatial information, amino acid conservation, physicochemical variation, residue mobility, and thermodynamic stability) performed at Invitae indicates that this missense variant is expected to disrupt MYH7 protein function with a positive predictive value of 95%. In summary, the available evidence is currently insufficient to determine the role of this variant in disease. Therefore, it has been classified as a Variant of Uncertain Significance.

GeneDx
Classification: Likely pathogenic. Last evaluated: 2011-11-03. Review status: criteria provided, single submitter. Criteria: GeneDx Variant Classification (06012015). Collection method: clinical testing. Allele origin: germline. Affected: yes.
Comment: This variant is denoted Ala1800Pro (aka A1800P) at the protein level and c.5398 G>C at the cDNA level. The Ala1800Pro variant in the MYH7 gene has not been reported previously as a disease-causing mutation or as a benign polymorphism to our knowledge. Population studies performed at GeneDx did not detect Ala1800Pro in 564 control alleles from individuals of different ethnic backgrounds, suggesting it is not a common benign variant. Ala1800Pro represents a semi-conservative amino acid change of a non-polar Alanine to a non-polar but sterically constrained Proline at a residue that is conserved throughout evolution. In addition, in-silico analysis predicts Ala1800Pro is not a tolerated missense change, and is probably damaging to protein structure/function. Other missense mutations in surrounding codons (Asp1792Gly, Glu1801Gly, Gly1808Ala) have also been reported in association with DCM, further supporting the functional significance of this region of the protein. With the clinical and molecular information available at this time, the clinical significance of Ala1800Pro in the MYH7 gene cannot be unequivocally determined, however the evidence suggests it may be disease-causing. The variant is found in DCM panel(s).